The following is an entry in ClinVar:

NM_001164508.2(NEB):c.9352A>T (p.Thr3118Ser)

Gene: NEB (nebulin; minus strand). Cytogenetic location: 2q23.3.
Variant type: single nucleotide variant.
Coding change: c.9352A>T on transcript NM_001164508.2 (MANE Select); coding-DNA position 9352, A replaced by T.
Protein change: p.Thr3118Ser; replaces threonine 3118 with serine.
Molecular consequence: missense variant. On other transcripts: intron variant (1).
Genome position (GRCh38, 1-based): chr2:151,633,716, T>A on the plus strand (A>T on the coding strand, the complement: NEB is on the minus strand). VCF-style: chr2-151633716-T-A. GRCh37 (hg19) VCF-style: chr2-152490230-T-A.
Other names: c.9352A>T, p.Thr3118Ser (NM_001164507.2, NM_001271208.2); c.8854-2538A>T (NM_004543.5); short protein forms T3118S.
Identifiers: ClinVar variation 257840 (VCV000257840.12), dbSNP rs543100735, ClinGen allele CA1909354.

ClinVar aggregate classification (germline): Conflicting classifications of pathogenicity. Review status: criteria provided, conflicting classifications (1 of 4 stars). 5 submissions from 5 submitters: Uncertain significance (2); Likely benign (2). 1 of the submissions does not count toward it. Last evaluated 2026-01-21.

Conditions:
Nemaline myopathy 2 (NEM2). Also called: Nemaline myopathy 2, autosomal recessive. Identifiers: MedGen C1850569, MONDO:0009725, OMIM 256030.

Allele frequency attached by ClinVar (database versions not stated): ExAC 0.00012; gnomAD exomes 0.00014; gnomAD 0.00018; 1000 Genomes Project 30x 0.00016; 1000 Genomes Project 0.00020; TOPMed 0.00022.
gnomAD v4.1: 232 of 1,614,002 alleles (0.014%); highest among the groups gnomAD compares: Non-Finnish European, 0.018%; no homozygotes.

Submissions (5):

Labcorp Genetics (formerly Invitae), Labcorp
Classification: Uncertain significance for Nemaline myopathy 2. Last evaluated: 2026-01-21. Review status: criteria provided, single submitter. Criteria: Invitae Variant Classification Sherloc (09022015). Collection method: clinical testing. Allele origin: germline.
Comment: This sequence change replaces threonine, which is neutral and polar, with serine, which is neutral and polar, at codon 3118 of the NEB protein (p.Thr3118Ser). This variant is present in population databases (rs543100735, gnomAD 0.02%). This variant has not been reported in the literature in individuals affected with NEB-related conditions. ClinVar contains an entry for this variant (Variation ID: 257840). Experimental studies and prediction algorithms are not available or were not evaluated, and the functional significance of this variant is currently unknown. In summary, the available evidence is currently insufficient to determine the role of this variant in disease. Therefore, it has been classified as a Variant of Uncertain Significance.

Revvity Omics, Revvity
Classification: Uncertain significance. Last evaluated: 2022-09-06. Review status: criteria provided, single submitter. Criteria: ACMG Guidelines, 2015. Collection method: clinical testing. Allele origin: germline.

GeneDx
Classification: Likely benign. Last evaluated: 2018-07-10. Review status: criteria provided, single submitter. Criteria: GeneDx Variant Classification Process June 2021. Collection method: clinical testing. Allele origin: germline. Affected: yes.

PreventionGenetics, part of Exact Sciences
Classification: Likely benign. Review status: criteria provided, single submitter. Criteria: ACMG Guidelines, 2015. Collection method: clinical testing. Allele origin: germline.

Natera, Inc.
Classification: Uncertain significance for Nemaline myopathy type 2. Last evaluated: 2020-01-17. Review status: no assertion criteria provided. Collection method: clinical testing. Allele origin: germline. Not counted in ClinVar's aggregate classification.